The following is an entry in ClinVar:

NM_201384.3(PLEC):c.8869A>G (p.Lys2957Glu)

Gene: PLEC (plectin; minus strand). Cytogenetic location: 8q24.3.
Variant type: single nucleotide variant.
Coding change: c.8869A>G on transcript NM_201384.3 (MANE Select); coding-DNA position 8869, A replaced by G.
Protein change: p.Lys2957Glu; replaces lysine 2957 with glutamic acid.
Molecular consequence: missense variant.
Genome position (GRCh38, 1-based): chr8:143,920,952, T>C on the plus strand (A>G on the coding strand, the complement: PLEC is on the minus strand). VCF-style: chr8-143920952-T-C. GRCh37 (hg19) VCF-style: chr8-144995120-T-C.
Other names: c.8950A>G, p.Lys2984Glu (NM_000445.5); c.5569A>G, p.Lys1857Glu (NM_001410941.1); c.8827A>G, p.Lys2943Glu (NM_201378.4); c.8803A>G, p.Lys2935Glu (NM_201379.3); c.9280A>G, p.Lys3094Glu (NM_201380.4); c.8773A>G, p.Lys2925Glu (NM_201381.3); c.8869A>G, p.Lys2957Glu (NM_201382.4); c.8881A>G, p.Lys2961Glu (NM_201383.3); short protein forms K1857E, K2925E, K2935E, K2943E, K2957E, K2961E, K2984E, K3094E.
Identifiers: ClinVar variation 3751886 (VCV003751886.2).

ClinVar aggregate classification (germline): Uncertain significance (1 of 4 stars; one submission).

Conditions:
Epidermolysis bullosa simplex with nail dystrophy (EBS5D). Identifiers: MedGen C4225309, MONDO:0014661, OMIM 616487.
Epidermolysis bullosa simplex, Ogna type (EBS5A). Also called: Pidermolysis bullosa simplex 5A, Ogna type; EPIDERMOLYSIS BULLOSA SIMPLEX 5A, OGNA TYPE. Identifiers: Orphanet 79401, MedGen C0432317, MONDO:0007555, OMIM 131950.
Autosomal recessive limb-girdle muscular dystrophy type 2Q (LGMDR17). Also called: MUSCULAR DYSTROPHY, LIMB-GIRDLE, AUTOSOMAL RECESSIVE 17. Identifiers: Orphanet 254361, MedGen C3150989, MONDO:0013390, OMIM 613723.
Epidermolysis bullosa simplex 5B, with muscular dystrophy (EBS5B). Also called: EPIDERMOLYSIS BULLOSA SIMPLEX AND LIMB-GIRDLE MUSCULAR DYSTROPHY; Epidermolysis bullosa simplex with muscular dystrophy. Identifiers: Orphanet 257, MedGen C2931072, MONDO:0009181, OMIM 226670.
Epidermolysis bullosa simplex 5C, with pyloric atresia (EBS5C). Also called: PLEC-Related Epidermolysis Bullosa with Pyloric Atresia; Epidermolysis bullosa simplex with pyloric atresia; PLEC1-Related Epidermolysis Bullosa with Pyloric Atresia. Identifiers: Orphanet 158684, MedGen C2677349, MONDO:0012807, OMIM 612138.

gnomAD v4.1: 5 of 1,612,934 alleles (0.00031%); highest among the groups gnomAD compares: East Asian, 0.0022%; no homozygotes.

Submission:

Labcorp Genetics (formerly Invitae), Labcorp
Classification: Uncertain significance for Autosomal recessive limb-girdle muscular dystrophy type 2Q; Epidermolysis bullosa simplex, Ogna type; Epidermolysis bullosa simplex with nail dystrophy; Epidermolysis bullosa simplex 5C, with pyloric atresia; Epidermolysis bullosa simplex 5B, with muscular dystrophy. Last evaluated: 2025-10-02. Review status: criteria provided, single submitter. Criteria: Invitae Variant Classification Sherloc (09022015). Collection method: clinical testing. Allele origin: germline.
Comment: This sequence change replaces lysine, which is basic and polar, with glutamic acid, which is acidic and polar, at codon 2984 of the PLEC protein (p.Lys2984Glu). This variant is present in population databases (rs782623419, gnomAD 0.006%). This variant has not been reported in the literature in individuals affected with PLEC-related conditions. ClinVar contains an entry for this variant (Variation ID: 3751886). An algorithm developed to predict the effect of missense changes on protein structure and function (PolyPhen-2) suggests that this variant is likely to be disruptive. In summary, the available evidence is currently insufficient to determine the role of this variant in disease. Therefore, it has been classified as a Variant of Uncertain Significance.